The following is an entry in ClinVar:

NM_001367721.1(CASK):c.1466G>A (p.Arg489Gln)

Gene: CASK (calcium/calmodulin dependent serine protein kinase; minus strand). Cytogenetic location: Xp11.4.
Variant type: single nucleotide variant.
Coding change: c.1466G>A on transcript NM_001367721.1 (MANE Select); coding-DNA position 1466, G replaced by A.
Protein change: p.Arg489Gln; replaces arginine 489 with glutamine.
Molecular consequence: missense variant.
Genome position (GRCh38, 1-based): chrX:41,578,377, C>T on the plus strand (G>A on the coding strand, the complement: CASK is on the minus strand). VCF-style: chrX-41578377-C-T. GRCh37 (hg19) VCF-style: chrX-41437630-C-T.
Other names: c.1466G>A, p.Arg489Gln (NM_001126054.3, NM_003688.4); c.1448G>A, p.Arg483Gln (NM_001126055.3, NM_001410745.1); short protein forms R483Q, R489Q.
Identifiers: ClinVar variation 810578 (VCV000810578.72), dbSNP rs1602292076, ClinGen allele CA412997370.
Genomic context (GRCh38, chrX:41,578,377, plus strand): 5'-GAAAACTTTCTCTTCCTACTTACCATTGGTTCATCTGTGTTCTTTTGAAACTGTACCAGC[C>T]GAACTCTGGTCACATTCTCCATATCCATGTCTCCGTTAGCACTTTCTGGAGAATCGCCGT-3'
Protein context (NP_001354650.1, residues 479-499): DMDMENVTRV[Arg489Gln]LVQFQKNTDE

ClinVar aggregate classification (germline): Pathogenic/Likely pathogenic. Review status: criteria provided, multiple submitters, no conflicts (2 of 4 stars). 5 submissions from 5 submitters: Pathogenic (1); Likely pathogenic (4). Last evaluated 2024-11-13.

Conditions:
FG syndrome 4 (FGS4). Identifiers: MedGen C1845546, MONDO:0010318, OMIM 300422.
Intellectual disability, CASK-related, X-linked. Identifiers: MedGen CN043158.
Abnormality of the nervous system. Also called: Congenital nervous system disorder. Identifiers: MedGen C0497552, MONDO:0002320, HP:0000707.

Submissions (5):

GeneDx
Classification: Likely pathogenic. Last evaluated: 2024-11-13. Review status: criteria provided, single submitter. Criteria: GeneDx Variant Classification Process June 2021. Collection method: clinical testing. Allele origin: germline. Affected: yes.
Comment: Not observed at significant frequency in large population cohorts (gnomAD); In silico analysis supports that this missense variant has a deleterious effect on protein structure/function; This variant is associated with the following publications: (PMID: 33090494, 30525188)

Institute of Human Genetics, University of Leipzig Medical Center
Classification: Likely pathogenic for FG syndrome 4. Last evaluated: 2024-07-30. Review status: criteria provided, single submitter. Criteria: ACMG Guidelines, 2015. Collection method: clinical testing. Allele origin: unknown. Inheritance: X-linked recessive inheritance. Affected: yes.
Comment: Criteria applied: PS4_MOD,PM2,PM5,PP2

Labcorp Genetics (formerly Invitae), Labcorp
Classification: Pathogenic for Intellectual disability, CASK-related, X-linked. Last evaluated: 2023-06-22. Review status: criteria provided, single submitter. Criteria: Invitae Variant Classification Sherloc (09022015). Collection method: clinical testing. Allele origin: germline.
Comment: This sequence change replaces arginine, which is basic and polar, with glutamine, which is neutral and polar, at codon 489 of the CASK protein (p.Arg489Gln). This variant is not present in population databases (gnomAD no frequency). This missense change has been observed in individual(s) with clinical features of developmental and epileptic encephalopathy, intellectual disability, and/or seizures (PMID: 30525188; Invitae). In at least one individual the variant was observed to be de novo. ClinVar contains an entry for this variant (Variation ID: 810578). Advanced modeling of protein sequence and biophysical properties (such as structural, functional, and spatial information, amino acid conservation, physicochemical variation, residue mobility, and thermodynamic stability) has been performed at Invitae for this missense variant, however the output from this modeling did not meet the statistical confidence thresholds required to predict the impact of this variant on CASK protein function. This variant disrupts the p.Arg489 amino acid residue in CASK. Other variant(s) that disrupt this residue have been determined to be pathogenic (PMID: 27799067, 33090494). This suggests that this residue is clinically significant, and that variants that disrupt this residue are likely to be disease-causing. For these reasons, this variant has been classified as Pathogenic.

Kariminejad - Najmabadi Pathology & Genetics Center
Classification: Likely pathogenic for Abnormality of the nervous system. Last evaluated: 2021-07-10. Review status: criteria provided, single submitter. Criteria: ACMG Guidelines, 2015. Collection method: clinical testing. Allele origin: germline. Affected: yes.

CeGaT Center for Human Genetics Tuebingen
Classification: Likely pathogenic. Last evaluated: 2019-03-01. Review status: criteria provided, single submitter. Criteria: CeGaT Center For Human Genetics Tuebingen Variant Classification Criteria Version 2. Collection method: clinical testing. Allele origin: germline. Affected: yes. Observed: 1 variant allele.

Literature cited by the submitters: PubMed 30525188 (cited by Labcorp Genetics (formerly Invitae), Labcorp); PubMed 27799067 (cited by Labcorp Genetics (formerly Invitae), Labcorp); PubMed 33090494 (cited by Labcorp Genetics (formerly Invitae), Labcorp).